The following is an entry in ClinVar:

NM_012210.4(TRIM32):c.1345G>A (p.Asp449Asn)

Genes: ASTN2 (astrotactin 2; minus strand), TRIM32 (tripartite motif containing 32; plus strand). Cytogenetic location: 9q33.1.
Variant type: single nucleotide variant.
Coding change: c.1345G>A on transcript NM_012210.4 (MANE Select); coding-DNA position 1345, G replaced by A.
Protein change: p.Asp449Asn; replaces aspartic acid 449 with asparagine.
Molecular consequence: missense variant. On other transcripts: intron variant (3).
Genome position (GRCh38, 1-based): chr9:116,699,087, G>A. VCF-style: chr9-116699087-G-A. GRCh37 (hg19) VCF-style: chr9-119461366-G-A.
Other names: c.1345G>A, p.Asp449Asn (NM_001099679.2, NM_001379048.1, NM_001379049.1 and 1 more transcripts); c.2653+26684C>T (NM_014010.5); c.2794+26684C>T (NM_001365069.1); c.2806+26684C>T (NM_001365068.1); short protein forms D449N.
Identifiers: ClinVar variation 3350324 (VCV003350324.2).

ClinVar aggregate classification (germline): Uncertain significance (1 of 4 stars; one submission).

Conditions:
TRIM32-related disorder. Also called: TRIM32-related condition.

gnomAD v4.1: 2 of 1,614,064 alleles (0.00012%); highest among the groups gnomAD compares: Admixed American, 0.0033%; no homozygotes.

Submission:

PreventionGenetics, part of Exact Sciences
Classification: Uncertain significance for TRIM32-related condition. Last evaluated: 2025-07-21. Review status: criteria provided, single submitter. Criteria: ACMG Guidelines, 2015. Collection method: clinical testing. Allele origin: germline.
Comment: The TRIM32 c.1345G>A variant is predicted to result in the amino acid substitution p.Asp449Asn. To our knowledge, this variant has not been reported in the literature. This variant is reported in 0.0058% of alleles in individuals of Latino descent in gnomAD. At this time, the clinical significance of this variant is uncertain due to the absence of conclusive functional and genetic evidence.